The following is an entry in ClinVar:

ClinVar aggregate classification (germline): Benign/Likely benign. Review status: criteria provided, multiple submitters, no conflicts (2 of 4 stars). 15 submissions from 15 submitters: Benign (4); Likely benign (7). 4 of the submissions do not count toward it. Last evaluated 2026-04-06.

Conditions:
HAX1-related disorder. Also called: HAX1-related condition.
Inborn genetic diseases. Identifiers: MedGen C0950123, MeSH D030342.
Kostmann syndrome (SCN3). Also called: Autosomal recessive severe congenital neutropenia type 3; KOSTMANN DISEASE. Identifiers: Orphanet 99749, MedGen C5235141, MONDO:0012548, OMIM 610738.

Allele frequency attached by ClinVar (database versions not stated): 1000 Genomes Project 0.00020; 1000 Genomes Project 30x 0.00047; TOPMed 0.00125; ESP Exome Variant Server 0.00138; gnomAD 0.00216 and 0.00228; gnomAD exomes 0.00245 and 0.00253; ExAC 0.00292.

Submissions (15):

Women's Health and Genetics/Laboratory Corporation of America, LabCorp
Classification: Benign. Last evaluated: 2026-04-06. Review status: criteria provided, single submitter. Criteria: LabCorp Variant Classification Summary - May 2015. Collection method: clinical testing. Allele origin: germline.

Labcorp Genetics (formerly Invitae), Labcorp
Classification: Benign for Kostmann syndrome. Last evaluated: 2026-02-04. Review status: criteria provided, single submitter. Criteria: Invitae Variant Classification Sherloc (09022015). Collection method: clinical testing. Allele origin: germline.

ARUP Laboratories, Molecular Genetics and Genomics, ARUP Laboratories
Classification: Likely benign for Kostmann syndrome. Last evaluated: 2025-05-16. Review status: criteria provided, single submitter. Criteria: ARUP Molecular Germline Variant Investigation Process 2024. Collection method: clinical testing. Allele origin: germline.

Mayo Clinic Laboratories, Mayo Clinic
Classification: Likely benign. Last evaluated: 2025-01-28. Review status: criteria provided, single submitter. Criteria: ACMG Guidelines, 2015. Collection method: clinical testing. Allele origin: germline. Observed: 1 variant allele.
Comment: BS1, BP4, BP7

Blueprint Genetics
Classification: Likely benign. Last evaluated: 2024-11-25. Review status: criteria provided, single submitter. Criteria: ACMG Guidelines, 2015. Collection method: clinical testing. Allele origin: germline.

Ambry Genetics
Classification: Likely benign for Inborn genetic diseases. Last evaluated: 2024-10-02. Review status: criteria provided, single submitter. Criteria: Ambry Variant Classification Scheme 2023. Collection method: clinical testing. Allele origin: germline.

CeGaT Center for Human Genetics Tuebingen
Classification: Likely benign. Last evaluated: 2023-02-01. Review status: criteria provided, single submitter. Criteria: CeGaT Center For Human Genetics Tuebingen Variant Classification Criteria Version 2. Collection method: clinical testing. Allele origin: germline. Affected: yes. Observed: 1 variant allele.
Comment: HAX1: BP4, BP7

Genetic Services Laboratory, University of Chicago
Classification: Benign. Last evaluated: 2021-04-21. Review status: criteria provided, single submitter. Criteria: ACMG Guidelines, 2015. Collection method: clinical testing. Allele origin: germline. Affected: no.

Illumina Laboratory Services, Illumina
Classification: Likely benign for Kostmann syndrome. Last evaluated: 2018-01-12. Review status: criteria provided, single submitter. Criteria: ICSL Variant Classification Criteria 13 December 2019. Collection method: clinical testing. Allele origin: germline.
Comment: This variant was observed in the ICSL laboratory as part of a predisposition screen in an ostensibly healthy population. It had not been previously curated by ICSL or reported in the Human Gene Mutation Database (HGMD: prior to June 1st, 2018), and was therefore a candidate for classification through an automated scoring system. Utilizing variant allele frequency, disease prevalence and penetrance estimates, and inheritance mode, an automated score was calculated to assess if this variant is too frequent to cause the disease. Based on the score and internal cut-off values, a variant classified as likely benign is not then subjected to further curation. The score for this variant resulted in a classification of likely benign for this disease.

GeneDx
Classification: Benign. Last evaluated: 2015-03-03. Review status: criteria provided, single submitter. Criteria: GeneDx Variant Classification Process June 2021. Collection method: clinical testing. Allele origin: germline. Affected: yes.

Breakthrough Genomics
Classification: Likely benign. Review status: criteria provided, single submitter. Criteria: ACMG Guidelines, 2015. Collection method: not provided. Allele origin: germline. Inheritance: Autosomal recessive inheritance. Affected: yes.

PreventionGenetics, part of Exact Sciences
Classification: Benign for HAX1-related condition. Last evaluated: 2021-08-04. Review status: no assertion criteria provided. Collection method: clinical testing. Allele origin: germline. Not counted in ClinVar's aggregate classification.
Comment: This variant is classified as benign based on ACMG/AMP sequence variant interpretation guidelines (Richards et al. 2015 PMID: 25741868, with internal and published modifications).

Natera, Inc.
Classification: Benign for Autosomal recessive severe congenital neutropenia type 3. Last evaluated: 2020-09-16. Review status: no assertion criteria provided. Collection method: clinical testing. Allele origin: germline. Not counted in ClinVar's aggregate classification.

Clinical Genetics DNA and cytogenetics Diagnostics Lab, Erasmus MC, Erasmus Medical Center
Classification: Likely benign. Review status: no assertion criteria provided. Collection method: clinical testing. Allele origin: germline. Affected: yes. Study: VKGL Data-share Consensus. Not counted in ClinVar's aggregate classification.

Genome Diagnostics Laboratory, University Medical Center Utrecht
Classification: Likely benign. Review status: no assertion criteria provided. Collection method: clinical testing. Allele origin: germline. Affected: yes. Study: VKGL Data-share Consensus. Not counted in ClinVar's aggregate classification.

NM_006118.4(HAX1):c.207A>T (p.Pro69=)

Gene: HAX1 (HCLS1 associated protein X-1; plus strand). Cytogenetic location: 1q21.3.
Variant type: single nucleotide variant.
Coding change: c.207A>T on transcript NM_006118.4 (MANE Select); coding-DNA position 207, A replaced by T.
Protein change: p.Pro69=; no amino-acid change (proline 69 retained).
Molecular consequence: synonymous variant.
Genome position (GRCh38, 1-based): chr1:154,273,489, A>T. VCF-style: chr1-154273489-A-T. GRCh37 (hg19) VCF-style: chr1-154245965-A-T.
Other names: p.Pro69=; c.63A>T, p.Pro21= (NM_001018837.2).
Identifiers: ClinVar variation 292704 (VCV000292704.61), dbSNP rs142150013, ClinGen allele CA1127288.
Genomic context (GRCh38, chr1:154,273,489, plus strand): 5'-AAGGTTCCATAGTCCTCAGCACCCCCCTGAGGAATTTGGCTTCGGCTTCAGCTTCAGCCC[A>T]GGAGGAGGGATACGTTTCCACGATAACTTCGGCTTTGATGACCTAGTACGAGATTTCAAT-3'
Protein context (NP_006109.2, residues 59-79): EEFGFGFSFS[Pro69=]GGGIRFHDNF